The following is an entry in ClinVar:

ClinVar aggregate classification (germline): Pathogenic/Likely pathogenic. Review status: criteria provided, multiple submitters, no conflicts (2 of 4 stars). 2 submissions from 2 submitters: Pathogenic (1); Likely pathogenic (1). Last evaluated 2024-06-18.

Conditions:
Epidermolysis bullosa, junctional 5A, intermediate. Also called: EPIDERMOLYSIS BULLOSA, JUNCTIONAL 5A, GENERALIZED INTERMEDIATE; EPIDERMOLYSIS BULLOSA, JUNCTIONAL 5A, NON-HERLITZ TYPE. Identifiers: MedGen C5676956, MONDO:0030768, OMIM 619816.
Junctional epidermolysis bullosa with pyloric atresia. Also called: Epidermolysis bullosa, junctional, with pyloric atresia and aplasia cutis congenita; Epidermolysis bullosa junctionalis with pyloric atresia; EPIDERMOLYSIS BULLOSA, JUNCTIONAL 5B, WITH PYLORIC ATRESIA; EB-PA-ACC; APLASIA CUTIS CONGENITA WITH GASTROINTESTINAL ATRESIA; CARMI SYNDROME. Identifiers: Orphanet 79403, MedGen C5676875, MONDO:0009183, OMIM 226730.

Submissions (2):

Fulgent Genetics
Classification: Likely pathogenic for Junctional epidermolysis bullosa with pyloric atresia; Epidermolysis bullosa, junctional 5A, intermediate. Last evaluated: 2024-06-18. Review status: criteria provided, single submitter. Criteria: ACMG Guidelines, 2015. Collection method: clinical testing. Allele origin: germline.

Labcorp Genetics (formerly Invitae), Labcorp
Classification: Pathogenic. Last evaluated: 2024-02-14. Review status: criteria provided, single submitter. Criteria: Invitae Variant Classification Sherloc (09022015). Collection method: clinical testing. Allele origin: germline.
Comment: This sequence change creates a premature translational stop signal (p.Ser1384Glnfs*118) in the ITGB4 gene. It is expected to result in an absent or disrupted protein product. Loss-of-function variants in ITGB4 are known to be pathogenic (PMID: 11328943, 16473856). This variant is present in population databases (no rsID available, gnomAD 0.003%). This variant has not been reported in the literature in individuals affected with ITGB4-related conditions. For these reasons, this variant has been classified as Pathogenic.

Literature cited by the submitters: PubMed 11328943 (cited by Labcorp Genetics (formerly Invitae), Labcorp); PubMed 16473856 (cited by Labcorp Genetics (formerly Invitae), Labcorp).

NM_000213.5(ITGB4):c.4355dup (p.Ser1454fs)

Genes: GALK1 (galactokinase 1; minus strand), ITGB4 (integrin subunit beta 4; plus strand). Cytogenetic location: 17q25.1.
Variant type: Duplication.
Coding change: c.4355dup on transcript NM_000213.5 (MANE Select); coding-DNA position 4355, one base duplicated (C; older notation c.4355dupC).
Protein change: p.Ser1454fs; shifts the reading frame from serine 1454.
Molecular consequence: frameshift variant. On other transcripts: intron variant (1).
Genome position (GRCh38, 1-based): chr17:75,754,612, C duplicated; the last of 3 consecutive C bases (chr17:75,754,610-75,754,612); duplicating any one gives the same sequence. VCF-style (leftmost placement, unchanged base first): chr17-75754609-T-TC. GRCh37 (hg19) VCF-style: chr17-73750690-T-TC.
Other names: c.4145dup, p.Ser1384fs (NM_001005619.2, NM_001005731.3, NM_001321123.2 and 1 more transcripts); c.*23-2873dup (NM_001381985.1); short protein forms S1384fs, S1454fs.
Identifiers: ClinVar variation 2913409 (VCV002913409.4), dbSNP rs1568383298, ClinGen allele CA627595857.